The following is an entry in ClinVar:

NM_001025603.2(RFX5):c.1316G>T (p.Ser439Ile)

Gene: RFX5 (regulatory factor X5; minus strand). Cytogenetic location: 1q21.3.
Variant type: single nucleotide variant.
Coding change: c.1316G>T on transcript NM_001025603.2 (MANE Select); coding-DNA position 1316, G replaced by T.
Protein change: p.Ser439Ile; replaces serine 439 with isoleucine.
Molecular consequence: missense variant.
Genome position (GRCh38, 1-based): chr1:151,342,721, C>A on the plus strand (G>T on the coding strand, the complement: RFX5 is on the minus strand). VCF-style: chr1-151342721-C-A. GRCh37 (hg19) VCF-style: chr1-151315197-C-A.
Other names: c.1316G>T, p.Ser439Ile (NM_001379412.1, NM_001379413.1, NM_001379414.1 and 5 more transcripts); c.1196G>T, p.Ser399Ile (NM_001379419.1, NM_001379420.1); short protein forms S439I, S399I.
Identifiers: ClinVar variation 1352545 (VCV001352545.8), dbSNP rs1650574183, ClinGen allele CA341927522.
Genomic context (GRCh38, chr1:151,342,721, plus strand): 5'-GCTGTATCCTCTATATCCTGCTTTGCTGCTTTAGCTGGTGGAGCCTGCCCACTGGCCTCA[C>A]TCACAGGTACTTCAGCTGTCCTCTTGACACCCTTGTCATGTGGTCCTTGGTCACCACCTA-3'
Protein context (NP_001020774.1, residues 429-449): GVKRTAEVPV[Ser439Ile]EASGQAPPAK

ClinVar aggregate classification (germline): Uncertain significance (1 of 4 stars; one submission).

Conditions:
MHC class II deficiency. Also called: Bare lymphocyte syndrome 2; BLS, TYPE II. Identifiers: Orphanet 572, MedGen C5447452, MONDO:0008855.

gnomAD v4.1: 14 of 1,614,250 alleles (0.00087%); highest among the groups gnomAD compares: East Asian, 0.031%; no homozygotes.

Submission:

Labcorp Genetics (formerly Invitae), Labcorp
Classification: Uncertain significance for MHC class II deficiency. Last evaluated: 2022-02-27. Review status: criteria provided, single submitter. Criteria: Invitae Variant Classification Sherloc (09022015). Collection method: clinical testing. Allele origin: germline.
Comment: This variant has not been reported in the literature in individuals affected with RFX5-related conditions. In summary, the available evidence is currently insufficient to determine the role of this variant in disease. Therefore, it has been classified as a Variant of Uncertain Significance. Algorithms developed to predict the effect of missense changes on protein structure and function (SIFT, PolyPhen-2, Align-GVGD) all suggest that this variant is likely to be tolerated. This variant is not present in population databases (gnomAD no frequency). This sequence change replaces serine, which is neutral and polar, with isoleucine, which is neutral and non-polar, at codon 439 of the RFX5 protein (p.Ser439Ile).